The following is an entry in ClinVar:

NC_000002.11:g.(?_29287735)_(29430158_?)del

Genes: ALK (ALK receptor tyrosine kinase; minus strand), CLIP4 (CAP-Gly domain containing linker protein family member 4; plus strand), PCARE (photoreceptor cilium actin regulator; minus strand). Cytogenetic location: 2p23.2.
Variant type: Deletion.
Identifiers: ClinVar variation 3247472 (VCV003247472.1).

ClinVar aggregate classification (germline): Pathogenic (1 of 4 stars; one submission).

Submission:

Labcorp Genetics (formerly Invitae), Labcorp
Classification: Pathogenic. Last evaluated: 2022-11-18. Review status: criteria provided, single submitter. Criteria: Invitae Variant Classification Sherloc (09022015). Collection method: clinical testing. Allele origin: unknown.
Comment: For these reasons, this variant has been classified as Pathogenic. This variant has not been reported in the literature in individuals affected with PCARE-related conditions. A gross deletion of the genomic region encompassing the full coding sequence of the PCARE gene has been identified. Loss-of-function variants in PCARE are known to be pathogenic (PMID: 20398886, 24339724, 26496393). The boundaries of this event are unknown as they extend beyond the assayed region for this gene and therefore may encompass additional genes.

Literature cited by the submitters: PubMed 20398886; PubMed 24339724; PubMed 26496393.